The following is an entry in ClinVar:

NM_000138.5(FBN1):c.1305G>T (p.Leu435=)

Gene: FBN1 (fibrillin 1; minus strand). Cytogenetic location: 15q21.1.
Variant type: single nucleotide variant.
Coding change: c.1305G>T on transcript NM_000138.5 (MANE Select); coding-DNA position 1305, G replaced by T.
Protein change: p.Leu435=; no amino-acid change (leucine 435 retained).
Molecular consequence: synonymous variant.
Genome position (GRCh38, 1-based): chr15:48,516,205, C>A on the plus strand (G>T on the coding strand, the complement: FBN1 is on the minus strand). VCF-style: chr15-48516205-C-A. GRCh37 (hg19) VCF-style: chr15-48808402-C-A.
Identifiers: ClinVar variation 927551 (VCV000927551.4), dbSNP rs769895864, ClinGen allele CA490028337.
Genomic context (GRCh38, chr15:48,516,205, plus strand): 5'-ATGCAAGAAAAATAACTAGATGATTTTTGAATTCTTACTTGGTGGCTCCCGAGATGGATA[C>A]AGATATTCCACTGGTGGTCGAGGGACCGGAATTTGAGGTCCAGGAGGAAAGCCAGGAGGA-3'
Protein context (NP_000129.3, residues 425-445): IPVPRPPVEY[Leu435=]YPSREPPRVL

ClinVar aggregate classification (germline): Likely benign. Review status: criteria provided, multiple submitters, no conflicts (2 of 4 stars). 3 submissions from 3 submitters: Likely benign (3). Last evaluated 2025-12-21.

Conditions:
Marfan syndrome (MFS). Also called: Marfan syndrome, classic; Marfan syndrome type 1; Marfan's syndrome; FBN1-Related Marfan Syndrome; MARFAN SYNDROME, TYPE I. Identifiers: Orphanet 284963, Orphanet 558, MedGen C0024796, MONDO:0007947, OMIM 154700.
Familial thoracic aortic aneurysm and aortic dissection (TAAD). Also called: Thoracic aortic aneurysms and dissections. Identifiers: Orphanet 91387, MedGen C4707243, MONDO:0019625.

Allele frequency attached by ClinVar (database versions not stated): TOPMed 0.00001.
gnomAD v4.1: 3 of 1,613,522 alleles (0.00019%); highest among the groups gnomAD compares: Non-Finnish European, 0.00025%; no homozygotes.

Submissions (3):

Labcorp Genetics (formerly Invitae), Labcorp
Classification: Likely benign for Marfan syndrome; Familial thoracic aortic aneurysm and aortic dissection. Last evaluated: 2025-12-21. Review status: criteria provided, single submitter. Criteria: Invitae Variant Classification Sherloc (09022015). Collection method: clinical testing. Allele origin: germline.

All of Us Research Program, National Institutes of Health
Classification: Likely benign for Marfan syndrome. Last evaluated: 2023-08-15. Review status: criteria provided, single submitter. Criteria: ACMG Guidelines, 2015. Collection method: clinical testing. Allele origin: germline. Inheritance: Autosomal dominant inheritance. Observed: 1 variant allele, 1 heterozygote.
Comment: This study involves interpretation of variants in research participants for the purpose of population health screening. Participant phenotype was not available at the time of variant classification. Additional details can be found in publication PMID: 35346344, PMCID: PMC8962531

Color Diagnostics, LLC DBA Color Health
Classification: Likely benign for Familial thoracic aortic aneurysm and aortic dissection. Last evaluated: 2018-11-21. Review status: criteria provided, single submitter. Criteria: ACMG Guidelines, 2015. Collection method: clinical testing. Allele origin: germline.